The following is an entry in ClinVar:

ClinVar aggregate classification (germline): Uncertain significance (1 of 4 stars; one submission).

Conditions:
Familial intrahepatic cholestasis. Identifiers: Orphanet 284385, MedGen CN296401, MONDO:0017290.

gnomAD v4.1: 2 of 1,613,382 alleles (0.00012%); highest among the groups gnomAD compares: South Asian, 0.0022%; no homozygotes.

Submission:

Genomenon, Inc
Classification: Uncertain significance for Familial intrahepatic cholestasis. Last evaluated: 2026-04-14. Review status: criteria provided, single submitter. Criteria: Genomenon Sequence Variant Interpretation Standards - Updated. Collection method: curation. Allele origin: germline. Affected: yes.
Comment: ABCB11 p.Gly323Glu (c.968G>A) is a missense variant that changes the amino acid at residue 323 from Glycine to Glutamic acid. This variant has been observed in at least one proband with an ABCB11-related disorder (PMID:39143102). It is absent or not present at a significant frequency in gnomAD. In silico models predict that this variant is possibly or probably damaging. In conclusion, we classify ABCB11 p.Gly323Glu (c.968G>A) as a variant of uncertain significance.

Literature cited by the submitters: PubMed 39143102.

NM_003742.4(ABCB11):c.968G>A (p.Gly323Glu)

Gene: ABCB11 (ATP binding cassette subfamily B member 11; minus strand). Cytogenetic location: 2q31.1.
Variant type: single nucleotide variant.
Coding change: c.968G>A on transcript NM_003742.4 (MANE Select); coding-DNA position 968, G replaced by A.
Protein change: p.Gly323Glu; replaces glycine 323 with glutamic acid.
Molecular consequence: missense variant.
Genome position (GRCh38, 1-based): chr2:168,986,225, C>T on the plus strand (G>A on the coding strand, the complement: ABCB11 is on the minus strand). VCF-style: chr2-168986225-C-T. GRCh37 (hg19) VCF-style: chr2-169842735-C-T.
Other names: short protein forms G323E.
Identifiers: ClinVar variation 4846021 (VCV004846021.1).